The following is an entry in ClinVar:

NM_017534.6(MYH2):c.5671G>T (p.Ala1891Ser)

Genes: MYHAS (myosin heavy chain gene cluster antisense RNA; plus strand), MYH2 (myosin heavy chain 2; minus strand). Cytogenetic location: 17p13.1.
Variant type: single nucleotide variant.
Coding change: c.5671G>T on transcript NM_017534.6 (MANE Select); coding-DNA position 5671, G replaced by T.
Protein change: p.Ala1891Ser; replaces alanine 1891 with serine.
Molecular consequence: missense variant.
Genome position (GRCh38, 1-based): chr17:10,523,092, C>A on the plus strand (G>T on the coding strand, the complement: MYH2 is on the minus strand). VCF-style: chr17-10523092-C-A. GRCh37 (hg19) VCF-style: chr17-10426409-C-A.
Other names: c.5671G>T, p.Ala1891Ser (NM_001100112.2); short protein forms A1891S.
Identifiers: ClinVar variation 1714779 (VCV001714779.6), dbSNP rs2508406656, ClinGen allele CA398113298.

ClinVar aggregate classification (germline): Uncertain significance (1 of 4 stars; one submission).

Conditions:
Myopathy, proximal, and ophthalmoplegia (CMYO6). Also called: INCLUSION BODY MYOPATHY 3, AUTOSOMAL DOMINANT; MYOPATHY WITH CONGENITAL JOINT CONTRACTURES, OPHTHALMOPLEGIA, AND RIMMED VACUOLES; CONGENITAL MYOPATHY 6 WITH OPHTHALMOPLEGIA. Identifiers: Orphanet 363677, Orphanet 79091, MedGen C1854106, MONDO:0011577, OMIM 605637.

Submission:

Labcorp Genetics (formerly Invitae), Labcorp
Classification: Uncertain significance for Myopathy, proximal, and ophthalmoplegia. Last evaluated: 2023-12-06. Review status: criteria provided, single submitter. Criteria: Invitae Variant Classification Sherloc (09022015). Collection method: clinical testing. Allele origin: germline.
Comment: This sequence change replaces alanine, which is neutral and non-polar, with serine, which is neutral and polar, at codon 1891 of the MYH2 protein (p.Ala1891Ser). This variant is not present in population databases (gnomAD no frequency). This variant has not been reported in the literature in individuals affected with MYH2-related conditions. ClinVar contains an entry for this variant (Variation ID: 1714779). An algorithm developed to predict the effect of missense changes on protein structure and function (PolyPhen-2) suggests that this variant is likely to be tolerated. In summary, the available evidence is currently insufficient to determine the role of this variant in disease. Therefore, it has been classified as a Variant of Uncertain Significance.